The following is an entry in ClinVar:

ClinVar aggregate classification (germline): Uncertain significance. Review status: criteria provided, multiple submitters, no conflicts (2 of 4 stars). 11 submissions from 10 submitters: Uncertain significance (10). 1 of the submissions does not count toward it. Last evaluated 2026-07-01.

Conditions:
USH2A-related disorder. Also called: USH2A-related disorders; USH2A-related condition. Identifiers: MedGen CN239332.
Retinal dystrophy. Also called: Inherited retinal dystrophy. Identifiers: Orphanet 71862, MedGen C0854723, MeSH D058499, MONDO:0019118, HP:0000556.
Retinitis pigmentosa 39 (RP39). Identifiers: Orphanet 791, MedGen C3151138, MONDO:0013436, OMIM 613809.
Usher syndrome type 2A. Also called: USHER SYNDROME, TYPE IIA; RETINAL DISEASE IN USHER SYNDROME TYPE IIA, MODIFIER OF. Identifiers: Orphanet 231178, Orphanet 886, MedGen C1848634, MONDO:0010169, OMIM 276901.

Allele frequency attached by ClinVar (database versions not stated): ExAC 0.00005; gnomAD 0.00005 and 0.00006; gnomAD exomes 0.00006; TOPMed 0.00009.
gnomAD v4.1: 89 of 1,613,868 alleles (0.0055%); highest among the groups gnomAD compares: Admixed American, 0.018%; no homozygotes.

Submissions (11):

PreventionGenetics, part of Exact Sciences
Classification: Uncertain significance for USH2A-related condition. Last evaluated: 2026-07-01. Review status: criteria provided, single submitter. Criteria: ACMG Guidelines, 2015. Collection method: clinical testing. Allele origin: germline.
Comment: The USH2A c.12358C>T variant is predicted to result in the amino acid substitution p.Arg4120Cys. This variant has been reported along with two additional USH2A variants in two individuals with retinal disease (Table S2, Zampaglione et al. 2020. PubMed ID: 32037395; Supplement, Gao et al. 2020. PubMed ID: 32188678). This variant was also identified in a large cohort of individuals with retinitis pigmentosa or Usher syndrome (Colombo et al. 2021. PubMed ID: 33576794). This variant is present in 0.017% of alleles in individuals of Latino descent in gnomAD. At this time, the clinical significance of this variant is uncertain due to the absence of conclusive functional and genetic evidence.

3billion
Classification: Uncertain significance for Retinitis pigmentosa 39. Last evaluated: 2025-03-26. Review status: criteria provided, single submitter. Criteria: ACMG Guidelines, 2015. Collection method: clinical testing. Allele origin: germline. Affected: yes.

Labcorp Genetics (formerly Invitae), Labcorp
Classification: Uncertain significance. Last evaluated: 2024-10-24. Review status: criteria provided, single submitter. Criteria: Invitae Variant Classification Sherloc (09022015). Collection method: clinical testing. Allele origin: germline.
Comment: This sequence change replaces arginine, which is basic and polar, with cysteine, which is neutral and slightly polar, at codon 4120 of the USH2A protein (p.Arg4120Cys). This variant is present in population databases (rs727503718, gnomAD 0.02%). This missense change has been observed in individual(s) with and/or inherited retinal dystrophy (PMID: 32037395, 32188678). ClinVar contains an entry for this variant (Variation ID: 166437). Invitae Evidence Modeling of protein sequence and biophysical properties (such as structural, functional, and spatial information, amino acid conservation, physicochemical variation, residue mobility, and thermodynamic stability) has been performed for this missense variant. However, the output from this modeling did not meet the statistical confidence thresholds required to predict the impact of this variant on USH2A protein function. In summary, the available evidence is currently insufficient to determine the role of this variant in disease. Therefore, it has been classified as a Variant of Uncertain Significance.

Blueprint Genetics
Classification: Uncertain significance. Last evaluated: 2024-07-12. Review status: criteria provided, single submitter. Criteria: ACMG Guidelines, 2015. Collection method: clinical testing. Allele origin: germline.

GeneDx
Classification: Uncertain significance. Last evaluated: 2024-02-16. Review status: criteria provided, single submitter. Criteria: GeneDx Variant Classification Process June 2021. Collection method: clinical testing. Allele origin: germline. Affected: yes.
Comment: In silico analysis supports that this missense variant has a deleterious effect on protein structure/function; This variant is associated with the following publications: (PMID: 32037395, 32188678)

Genome-Nilou Lab
Classification: Uncertain significance for Retinitis pigmentosa 39. Last evaluated: 2023-11-04. Review status: criteria provided, single submitter. Criteria: ACMG Guidelines, 2015. Collection method: clinical testing. Allele origin: germline. Affected: no.

Genome-Nilou Lab
Classification: Uncertain significance for Usher syndrome type 2A. Last evaluated: 2023-11-04. Review status: criteria provided, single submitter. Criteria: ACMG Guidelines, 2015. Collection method: clinical testing. Allele origin: germline. Affected: no.

Institute of Human Genetics, Univ. Regensburg, Univ. Regensburg
Classification: Uncertain significance for Retinal dystrophy. Last evaluated: 2023-01-01. Review status: criteria provided, single submitter. Criteria: ACMG Guidelines, 2015. Collection method: clinical testing. Allele origin: germline. Affected: yes.

Laboratory for Molecular Medicine, Mass General Brigham Personalized Medicine
Classification: Uncertain significance. Last evaluated: 2017-07-05. Review status: criteria provided, single submitter. Criteria: LMM Criteria. Collection method: clinical testing. Allele origin: germline. Observed: 2 variant alleles.
Comment: The p.Arg4120Cys variant in USH2A has not been previously reported in individual s with hearing loss or Usher syndrome. This variant has been identified in 8/125 854 European chromosomes and 6/34358 Latino chromosomes by the genome Aggregatio n Database (gnomAD; dbSNP rs727503718). Althou gh this variant has been seen in the general population, its frequency is not hi gh enough to rule out a pathogenic role. Computational prediction tools and con servation analysis suggest that this variant may impact the protein, though this information is not predictive enough to determine pathogenicity. In summary, th e clinical significance of the p.Arg4120Cys variant is uncertain.

Juno Genomics, Hangzhou Juno Genomics, Inc
Classification: Uncertain significance for Retinitis pigmentosa 39; Usher syndrome type 2A. Review status: criteria provided, single submitter. Criteria: ACMG Guidelines, 2015. Collection method: clinical testing. Allele origin: germline.
Comment: Absent from controls (or at extremely low frequency if recessive) in Genome Aggregation Database.;For recessive disorders, detected in trans with a pathogenic variant.;Patient's phenotype or family history is highly specific for a disease with a single genetic etiology.

Natera, Inc.
Classification: Uncertain significance for Usher syndrome type 2A. Last evaluated: 2019-11-11. Review status: no assertion criteria provided. Collection method: clinical testing. Allele origin: germline. Not counted in ClinVar's aggregate classification.

Literature cited by the submitters: PubMed 32037395 (cited by 3 submitters); PubMed 34448047 (cited by 3billion); PubMed 32188678 (cited by Labcorp Genetics (formerly Invitae), Labcorp); PubMed 3218867 (cited by Institute of Human Genetics, Univ. Regensburg, Univ. Regensburg).

NM_206933.4(USH2A):c.12358C>T (p.Arg4120Cys)

Gene: USH2A (usherin; minus strand). Cytogenetic location: 1q41.
Variant type: single nucleotide variant.
Coding change: c.12358C>T on transcript NM_206933.4 (MANE Select); coding-DNA position 12358, C replaced by T.
Protein change: p.Arg4120Cys; replaces arginine 4120 with cysteine.
Molecular consequence: missense variant.
Genome position (GRCh38, 1-based): chr1:215,675,553, G>A on the plus strand (C>T on the coding strand, the complement: USH2A is on the minus strand). VCF-style: chr1-215675553-G-A. GRCh37 (hg19) VCF-style: chr1-215848895-G-A.
Other names: short protein forms R4120C.
Identifiers: ClinVar variation 166437 (VCV000166437.16), dbSNP rs727503718, ClinGen allele CA179517.